The following is an entry in ClinVar:

NM_021008.4(DEAF1):c.51_62del (p.Val19_Ala22del)

Gene: DEAF1 (DEAF1 transcription factor; minus strand). Cytogenetic location: 11p15.5.
Variant type: Deletion.
Coding change: c.51_62del on transcript NM_021008.4 (MANE Select); coding-DNA positions 51 to 62, 12 bases deleted (GGCGGTGGCGGC).
Protein change: p.Val19_Ala22del.
Molecular consequence: inframe deletion. On other transcripts: inframe indel (1), intron variant (1).
Genome position (GRCh38, 1-based): chr11:694,986-694,997, GCCGCCACCGCC deleted on the plus strand (GGCGGTGGCGGC on the coding strand, the reverse complement: DEAF1 is on the minus strand); deleting any 12 consecutive bases within chr11:694,986-695,003 gives the same sequence; the c. name uses the placement nearest the transcript's 3' end. VCF-style (leftmost placement, unchanged base first): chr11-694985-GGCCGCCACCGCC-G. GRCh37 (hg19) VCF-style: chr11-694985-GGCCGCCACCGCC-G.
Other names: c.45_56delGGCGGCGGCGGT, p.Val19_Ala22del (NM_001293634.2); c.-437-3399_-437-3388del (NM_001367390.1).
Identifiers: ClinVar variation 1307741 (VCV001307741.3), dbSNP rs1861055481, ClinGen allele CA1947239101.

ClinVar aggregate classification (germline): Uncertain significance (1 of 4 stars; one submission).

Submission:

GeneDx
Classification: Uncertain significance. Last evaluated: 2025-07-17. Review status: criteria provided, single submitter. Criteria: GeneDx Variant Classification Process June 2021. Collection method: clinical testing. Allele origin: germline. Affected: yes.
Comment: In-frame deletion of 4 amino acids in a non-repeat region; Not observed at significant frequency in large population cohorts (gnomAD); In silico analysis suggests that this variant does not alter protein structure/function; Has not been previously published as pathogenic or benign to our knowledge